The following is an entry in ClinVar:

NM_001042492.3(NF1):c.4500dup (p.Asp1501Ter)

Gene: NF1 (neurofibromin 1; plus strand). Cytogenetic location: 17q11.2.
Variant type: Duplication.
Coding change: c.4500dup on transcript NM_001042492.3 (MANE Select); coding-DNA position 4500, one base duplicated (T; older notation c.4500dupT).
Protein change: p.Asp1501Ter; replaces aspartic acid 1501 with a stop codon.
Molecular consequence: nonsense. On other transcripts: frameshift variant (1).
Genome position (GRCh38, 1-based): chr17:31,260,438, T duplicated. VCF-style (leftmost placement, unchanged base first): chr17-31260437-G-GT. GRCh37 (hg19) VCF-style: chr17-29587455-G-GT.
Other names: c.4437dup, p.Asp1480Terfs (NM_000267.4); short protein forms D1480*, D1501*.
Identifiers: ClinVar variation 2700284 (VCV002700284.3), dbSNP rs2508421316, ClinGen allele CA2697559745.

ClinVar aggregate classification (germline): Pathogenic (1 of 4 stars; one submission).

Conditions:
Neurofibromatosis, type 1 (NF1). Also called: Peripheral type neurofibromatosis; VON RECKLINGHAUSEN DISEASE; Neurofibromatosis, type I; NEUROFIBROMATOSIS, TYPE I, SOMATIC. Identifiers: Orphanet 636, MedGen C0027831, MONDO:0018975, OMIM 162200. Disease mechanism: loss of function.

Submission:

Labcorp Genetics (formerly Invitae), Labcorp
Classification: Pathogenic for Neurofibromatosis, type 1. Last evaluated: 2023-12-01. Review status: criteria provided, single submitter. Criteria: Invitae Variant Classification Sherloc (09022015). Collection method: clinical testing. Allele origin: germline.
Comment: This sequence change creates a premature translational stop signal (p.Asp1480*) in the NF1 gene. It is expected to result in an absent or disrupted protein product. Loss-of-function variants in NF1 are known to be pathogenic (PMID: 10712197, 23913538). This variant is not present in population databases (gnomAD no frequency). This variant has not been reported in the literature in individuals affected with NF1-related conditions. RNA analysis performed to evaluate the impact of this premature translational stop signal on mRNA splicing indicates it does not significantly alter splicing (Invitae). For these reasons, this variant has been classified as Pathogenic.

Literature cited by the submitters: PubMed 10712197; PubMed 23913538.